The following is an entry in ClinVar:

ClinVar aggregate classification (germline): Uncertain significance. Review status: criteria provided, multiple submitters, no conflicts (2 of 4 stars). 2 submissions from 2 submitters: Uncertain significance (2). Last evaluated 2023-08-15.

Conditions:
Nemaline myopathy 9 (NEM9). Identifiers: MedGen C3810384, MONDO:0014326, OMIM 615731.
Inborn genetic diseases. Identifiers: MedGen C0950123, MeSH D030342.

Allele frequency attached by ClinVar (database versions not stated): gnomAD 0.00002; gnomAD exomes 0.00009; ExAC 0.00011.
gnomAD v4.1: 126 of 1,613,792 alleles (0.0078%); highest among the groups gnomAD compares: East Asian, 0.27%; no homozygotes.

Submissions (2):

Ambry Genetics
Classification: Uncertain significance for Inborn genetic diseases. Last evaluated: 2023-08-15. Review status: criteria provided, single submitter. Criteria: Ambry Variant Classification Scheme 2023. Collection method: clinical testing. Allele origin: germline.

Labcorp Genetics (formerly Invitae), Labcorp
Classification: Uncertain significance for Nemaline myopathy 9. Last evaluated: 2022-05-25. Review status: criteria provided, single submitter. Criteria: Invitae Variant Classification Sherloc (09022015). Collection method: clinical testing. Allele origin: germline.
Comment: This variant is present in population databases (rs200210332, gnomAD 0.1%). In summary, the available evidence is currently insufficient to determine the role of this variant in disease. Therefore, it has been classified as a Variant of Uncertain Significance. Algorithms developed to predict the effect of missense changes on protein structure and function (SIFT, PolyPhen-2, Align-GVGD) all suggest that this variant is likely to be disruptive. This variant has not been reported in the literature in individuals affected with KLHL41-related conditions. This sequence change replaces arginine, which is basic and polar, with cysteine, which is neutral and slightly polar, at codon 155 of the KLHL41 protein (p.Arg155Cys).

NM_006063.3(KLHL41):c.463C>T (p.Arg155Cys)

Gene: KLHL41 (kelch like family member 41; plus strand). Cytogenetic location: 2q31.1.
Variant type: single nucleotide variant.
Coding change: c.463C>T on transcript NM_006063.3 (MANE Select); coding-DNA position 463, C replaced by T.
Protein change: p.Arg155Cys; replaces arginine 155 with cysteine.
Molecular consequence: missense variant.
Genome position (GRCh38, 1-based): chr2:169,510,241, C>T. VCF-style: chr2-169510241-C-T. GRCh37 (hg19) VCF-style: chr2-170366751-C-T.
Other names: c.463C>T (NM_006063.2); short protein forms R155C.
Identifiers: ClinVar variation 1922584 (VCV001922584.6), dbSNP rs200210332, ClinGen allele CA1956508.